The following is an entry in ClinVar:

ClinVar aggregate classification (germline): Uncertain significance. Review status: criteria provided, multiple submitters, no conflicts (2 of 4 stars). 2 submissions from 2 submitters: Uncertain significance (2). Last evaluated 2022-06-30.

Conditions:
Hereditary cancer-predisposing syndrome. Also called: Tumor predisposition; Hereditary neoplastic syndrome; Neoplastic Syndromes, Hereditary; Hereditary Cancer Syndrome. Identifiers: Orphanet 140162, MedGen C0027672, MeSH D009386, MONDO:0015356.
Rhabdoid tumor predisposition syndrome 2 (RTPS2). Identifiers: Orphanet 231108, Orphanet 69077, MedGen C2750074, MONDO:0013224, OMIM 613325.

Submissions (2):

Labcorp Genetics (formerly Invitae), Labcorp
Classification: Uncertain significance for Rhabdoid tumor predisposition syndrome 2. Last evaluated: 2022-06-30. Review status: criteria provided, single submitter. Criteria: Invitae Variant Classification Sherloc (09022015). Collection method: clinical testing. Allele origin: germline.
Comment: In summary, the available evidence is currently insufficient to determine the role of this variant in disease. Therefore, it has been classified as a Variant of Uncertain Significance. Algorithms developed to predict the effect of missense changes on protein structure and function are either unavailable or do not agree on the potential impact of this missense change (SIFT: "Deleterious"; PolyPhen-2: "Benign"; Align-GVGD: "Class C0"). ClinVar contains an entry for this variant (Variation ID: 664852). This variant has not been reported in the literature in individuals affected with SMARCA4-related conditions. The frequency data for this variant in the population databases is considered unreliable, as metrics indicate poor data quality at this position in the gnomAD database. This sequence change replaces methionine, which is neutral and non-polar, with isoleucine, which is neutral and non-polar, at codon 1338 of the SMARCA4 protein (p.Met1338Ile).

Ambry Genetics
Classification: Uncertain significance for Hereditary cancer-predisposing syndrome. Last evaluated: 2021-05-06. Review status: criteria provided, single submitter. Criteria: Ambry Variant Classification Scheme 2023. Collection method: clinical testing. Allele origin: germline.
Comment: The p.M1338I variant (also known as c.4014G>A), located in coding exon 28 of the SMARCA4 gene, results from a G to A substitution at nucleotide position 4014. The methionine at codon 1338 is replaced by isoleucine, an amino acid with highly similar properties. Missense and in-frame variants in SMARCA4 are known to cause neurodevelopmental disorders; however, such associations with rhabdoid tumor predisposition syndrome including small cell carcinoma of the ovary-hypercalcemic type (SCCOHT) are exceedingly rare (Kosho T et al. Am J Med Genet C Semin Med Genet. 2014 Sep;166C(3):262-75; Jelinic P et al. Nat Genet. 2014 May;46(5):424-6). This amino acid position is highly conserved in available vertebrate species. In addition, the in silico prediction for this alteration is inconclusive. Since supporting evidence is limited at this time, the clinical significance of this alteration remains unclear.

NM_003072.5(SMARCA4):c.4014G>A (p.Met1338Ile)

Gene: SMARCA4 (SWI/SNF related BAF chromatin remodeling complex subunit ATPase 4; plus strand). Cytogenetic location: 19p13.2.
Variant type: single nucleotide variant.
Coding change: c.4014G>A on transcript NM_003072.5 (MANE Select); coding-DNA position 4014, G replaced by A.
Protein change: p.Met1338Ile; replaces methionine 1338 with isoleucine.
Molecular consequence: missense variant. On other transcripts: non-coding transcript variant (1).
Genome position (GRCh38, 1-based): chr19:11,034,976, G>A. VCF-style: chr19-11034976-G-A. GRCh37 (hg19) VCF-style: chr19-11145652-G-A.
Other names: c.4014G>A, p.Met1338Ile (NM_001128844.3, NM_001128849.3, NM_001387283.1); c.3915G>A, p.Met1305Ile (NM_001128845.2, NM_001128846.2, NM_001128847.4 and 2 more transcripts); short protein forms M1305I, M1338I.
Identifiers: ClinVar variation 664852 (VCV000664852.11), dbSNP rs1462986718, ClinGen allele CA404068115.